The following is an entry in ClinVar:

NM_006734.4(HIVEP2):c.4724C>T (p.Ala1575Val)

Gene: HIVEP2 (HIVEP zinc finger 2; minus strand). Cytogenetic location: 6q24.2.
Variant type: single nucleotide variant.
Coding change: c.4724C>T on transcript NM_006734.4 (MANE Select); coding-DNA position 4724, C replaced by T.
Protein change: p.Ala1575Val; replaces alanine 1575 with valine.
Molecular consequence: missense variant.
Genome position (GRCh38, 1-based): chr6:142,770,015, G>A on the plus strand (C>T on the coding strand, the complement: HIVEP2 is on the minus strand). VCF-style: chr6-142770015-G-A. GRCh37 (hg19) VCF-style: chr6-143091152-G-A.
Other names: short protein forms A1575V.
Identifiers: ClinVar variation 3357805 (VCV003357805.1).
Genomic context (GRCh38, chr6:142,770,015, plus strand): 5'-TCCAGCTGACCATCTCCTGCTGGTAATGAAGAACTCTGTGGGCTCATGCTCATGTCCGAT[G>A]CCGTCTCATCGATATCTAATTCATCTGAAGATTCTTTGCTTTCAGAAGGCCCACTGGACT-3'
Protein context (NP_006725.3, residues 1565-1585): SSDELDIDET[Ala1575Val]SDMSMSPQSS

ClinVar aggregate classification (germline): Uncertain significance (0 of 4 stars; one submission).

Conditions:
HIVEP2-related disorder. Also called: HIVEP2-related condition.

gnomAD v4.1: 33 of 1,613,986 alleles (0.002%); highest among the groups gnomAD compares: Non-Finnish European, 0.0025%; no homozygotes.

Submission:

PreventionGenetics, part of Exact Sciences
Classification: Uncertain significance for HIVEP2-related condition. Last evaluated: 2023-12-04. Review status: no assertion criteria provided. Collection method: clinical testing. Allele origin: germline.
Comment: The HIVEP2 c.4724C>T variant is predicted to result in the amino acid substitution p.Ala1575Val. To our knowledge, this variant has not been reported in the literature. This variant is reported in 0.0041% of alleles in individuals of African descent in gnomAD. At this time, the clinical significance of this variant is uncertain due to the absence of conclusive functional and genetic evidence.